The following is an entry in ClinVar:

NM_014844.5(TECPR2):c.55CTC[1] (p.Leu20del)

Gene: TECPR2 (tectonin beta-propeller repeat containing 2; plus strand). Cytogenetic location: 14q32.31.
Variant type: Microsatellite.
Coding change: c.55CTC[1] on transcript NM_014844.5 (MANE Select); one copy of the 3-base unit CTC starting at c.55; the reference has two copies in a row; one copy, 3 bases deleted.
Protein change: p.Leu20del; deletes leucine 20.
Molecular consequence: inframe deletion.
Genome position (GRCh38, 1-based): chr14:102,376,779-102,376,781, CTC deleted; deleting any 3 consecutive bases within chr14:102,376,776-102,376,781 gives the same sequence; the position shown is the placement nearest the transcript's 3' end. VCF-style (leftmost placement, unchanged base first): chr14-102376775-TCTC-T. GRCh37 (hg19) VCF-style: chr14-102843112-TCTC-T.
Other names: c.55CTC[1], p.Leu20del (NM_001172631.3); c.58_60delCTC (NM_014844.5); short protein forms L20del.
Identifiers: ClinVar variation 840468 (VCV000840468.5), dbSNP rs762675550, ClinGen allele CA7357322.

ClinVar aggregate classification (germline): Uncertain significance. Review status: criteria provided, single submitter (1 of 4 stars). 2 submissions from 2 submitters: Uncertain significance (1). 1 of the submissions does not count toward it. Last evaluated 2021-09-02.

Conditions:
Hereditary spastic paraplegia 49 (HSAN9). Also called: NEUROPATHY, HEREDITARY SENSORY AND AUTONOMIC, TYPE IX, WITH DEVELOPMENTAL DELAY; Spastic paraplegia 49, autosomal recessive; TECPR2-Related Hereditary Sensory and Autonomic Neuropathy with Intellectual Disability. Identifiers: Orphanet 320385, MedGen C5190860, MONDO:0014016, OMIM 615031.

Submissions (2):

Labcorp Genetics (formerly Invitae), Labcorp
Classification: Uncertain significance for Hereditary spastic paraplegia 49. Last evaluated: 2021-09-02. Review status: criteria provided, single submitter. Criteria: Invitae Variant Classification Sherloc (09022015). Collection method: clinical testing. Allele origin: germline.
Comment: This variant, c.58_60del, results in the deletion of 1 amino acid(s) of the TECPR2 protein (p.Leu20del), but otherwise preserves the integrity of the reading frame. This variant is present in population databases (rs762675550, ExAC 0.003%). This variant has not been reported in the literature in individuals affected with TECPR2-related conditions. Experimental studies and prediction algorithms are not available or were not evaluated, and the functional significance of this variant is currently unknown. In summary, the available evidence is currently insufficient to determine the role of this variant in disease. Therefore, it has been classified as a Variant of Uncertain Significance.

Natera, Inc.
Classification: Uncertain significance for Autosomal recessive spastic paraplegia type 49. Last evaluated: 2020-09-16. Review status: no assertion criteria provided. Collection method: clinical testing. Allele origin: germline. Not counted in ClinVar's aggregate classification.